The following is an entry in ClinVar:

NM_002585.4(PBX1):c.754T>C (p.Phe252Leu)

Gene: PBX1 (PBX homeobox 1; plus strand). Cytogenetic location: 1q23.3.
Variant type: single nucleotide variant.
Coding change: c.754T>C on transcript NM_002585.4 (MANE Select); coding-DNA position 754, T replaced by C.
Protein change: p.Phe252Leu; replaces phenylalanine 252 with leucine.
Molecular consequence: missense variant.
Genome position (GRCh38, 1-based): chr1:164,807,594, T>C. VCF-style: chr1-164807594-T-C. GRCh37 (hg19) VCF-style: chr1-164776831-T-C.
Other names: c.754T>C, p.Phe252Leu (NM_001204961.2, NM_001204963.2, NM_001353131.2); c.505T>C, p.Phe169Leu (NM_001353130.1); short protein forms F169L, F252L.
Identifiers: ClinVar variation 4294371 (VCV004294371.1).

ClinVar aggregate classification (germline): Likely pathogenic (1 of 4 stars; one submission).

Conditions:
Congenital anomalies of kidney and urinary tract syndrome with or without hearing loss, abnormal ears, or developmental delay. Also called: Congenital Anomalies of the Kidney and Urinary Tract syndrome with or without Hearing Loss, Abnormal Ears, or Developmental Delay. Identifiers: Orphanet 656130, MedGen C4539968, MONDO:0060549, OMIM 617641.

Submission:

Laboratoire Génétique Moléculaire, CHRU TOURS
Classification: Likely pathogenic for Congenital anomalies of kidney and urinary tract syndrome with or without hearing loss, abnormal ears, or developmental delay. Last evaluated: 2022-08-02. Review status: criteria provided, single submitter. Criteria: ACMG Guidelines, 2015. Collection method: clinical testing. Allele origin: de novo. Affected: yes.
Comment: PS2;PM2;PP3;PP4